The following is an entry in ClinVar:

ClinVar aggregate classification (germline): Uncertain significance (1 of 4 stars; one submission).

Allele frequency attached by ClinVar (database versions not stated): gnomAD exomes below 0.00001; ExAC 0.00001.

Submission:

Labcorp Genetics (formerly Invitae), Labcorp
Classification: Uncertain significance. Last evaluated: 2022-06-01. Review status: criteria provided, single submitter. Criteria: Invitae Variant Classification Sherloc (09022015). Collection method: clinical testing. Allele origin: germline.
Comment: This sequence change replaces valine, which is neutral and non-polar, with methionine, which is neutral and non-polar, at codon 936 of the PCARE protein (p.Val936Met). This variant is present in population databases (rs775267962, gnomAD 0.006%). This variant has not been reported in the literature in individuals affected with PCARE-related conditions. Algorithms developed to predict the effect of missense changes on protein structure and function are either unavailable or do not agree on the potential impact of this missense change (SIFT: "Deleterious"; PolyPhen-2: "Possibly Damaging"; Align-GVGD: "Class C0"). In summary, the available evidence is currently insufficient to determine the role of this variant in disease. Therefore, it has been classified as a Variant of Uncertain Significance.

NM_001029883.3(PCARE):c.2806G>A (p.Val936Met)

Gene: PCARE (photoreceptor cilium actin regulator; minus strand). Cytogenetic location: 2p23.2.
Variant type: single nucleotide variant.
Coding change: c.2806G>A on transcript NM_001029883.3 (MANE Select); coding-DNA position 2806, G replaced by A.
Protein change: p.Val936Met; replaces valine 936 with methionine.
Molecular consequence: missense variant.
Genome position (GRCh38, 1-based): chr2:29,071,456, C>T on the plus strand (G>A on the coding strand, the complement: PCARE is on the minus strand). VCF-style: chr2-29071456-C-T. GRCh37 (hg19) VCF-style: chr2-29294322-C-T.
Other names: short protein forms V936M.
Identifiers: ClinVar variation 2095313 (VCV002095313.4), dbSNP rs775267962, ClinGen allele CA1592117.